The following is an entry in ClinVar:

NM_002474.3(MYH11):c.1981C>G (p.Leu661Val)

Gene: MYH11 (myosin heavy chain 11; minus strand). Cytogenetic location: 16p13.11.
Variant type: single nucleotide variant.
Coding change: c.1981C>G on transcript NM_002474.3 (MANE Select); coding-DNA position 1981, C replaced by G.
Protein change: p.Leu661Val; replaces leucine 661 with valine.
Molecular consequence: missense variant.
Genome position (GRCh38, 1-based): chr16:15,750,215, G>C on the plus strand (C>G on the coding strand, the complement: MYH11 is on the minus strand). VCF-style: chr16-15750215-G-C. GRCh37 (hg19) VCF-style: chr16-15844072-G-C.
Other names: c.2002C>G, p.Leu668Val (NM_001040113.2, NM_001040114.2); c.1981C>G, p.Leu661Val (NM_022844.3); c.1981C>G (NM_002474.2); short protein forms L668V, L661V.
Identifiers: ClinVar variation 465710 (VCV000465710.21), dbSNP rs1267658886, ClinGen allele CA394868981.
Genomic context (GRCh38, chr16:15,750,215, plus strand): 5'-GGATGATGCAGCGCACGAAGTTGGGCGTGGTGTTGCGTAGCGTGGTCATCAGCTTGCCCA[G>C]CTGCTCCTTGTACAGCTGCCCCACTGTGCGGAACATGCCCTTCTTGGTCTTGGAGGCGCT-3'
Protein context (NP_002465.1, residues 651-671): RTVGQLYKEQ[Leu661Val]GKLMTTLRNT

ClinVar aggregate classification (germline): Uncertain significance. Review status: criteria provided, multiple submitters, no conflicts (2 of 4 stars). 5 submissions from 5 submitters: Uncertain significance (5). Last evaluated 2025-07-09.

Conditions:
Familial thoracic aortic aneurysm and aortic dissection (TAAD). Also called: Thoracic aortic aneurysms and dissections. Identifiers: Orphanet 91387, MedGen C4707243, MONDO:0019625.
Aortic aneurysm, familial thoracic 4 (AAT4). Also called: AORTIC ANEURYSM/AORTIC DISSECTION AND PATENT DUCTUS ARTERIOSUS. Identifiers: MedGen C1851504, MONDO:0007568, OMIM 132900.

Allele frequency attached by ClinVar (database versions not stated): gnomAD exomes 0.00001; TOPMed 0.00001.
gnomAD v4.1: 14 of 1,614,240 alleles (0.00087%); highest among the groups gnomAD compares: Non-Finnish European, 0.001%; no homozygotes.

Submissions (5):

Labcorp Genetics (formerly Invitae), Labcorp
Classification: Uncertain significance for Aortic aneurysm, familial thoracic 4. Last evaluated: 2025-07-09. Review status: criteria provided, single submitter. Criteria: Invitae Variant Classification Sherloc (09022015). Collection method: clinical testing. Allele origin: germline.
Comment: This sequence change replaces leucine, which is neutral and non-polar, with valine, which is neutral and non-polar, at codon 668 of the MYH11 protein (p.Leu668Val). This variant is present in population databases (no rsID available, gnomAD 0.002%). This variant has not been reported in the literature in individuals affected with MYH11-related conditions. ClinVar contains an entry for this variant (Variation ID: 465710). Invitae Evidence Modeling of protein sequence and biophysical properties (such as structural, functional, and spatial information, amino acid conservation, physicochemical variation, residue mobility, and thermodynamic stability) has been performed for this missense variant. However, the output from this modeling did not meet the statistical confidence thresholds required to predict the impact of this variant on MYH11 protein function. In summary, the available evidence is currently insufficient to determine the role of this variant in disease. Therefore, it has been classified as a Variant of Uncertain Significance.

Ambry Genetics
Classification: Uncertain significance for Familial thoracic aortic aneurysm and aortic dissection. Last evaluated: 2025-01-09. Review status: criteria provided, single submitter. Criteria: Ambry Variant Classification Scheme 2023. Collection method: clinical testing. Allele origin: germline.
Comment: The p.L661V variant (also known as c.1981C>G), located in coding exon 15 of the MYH11 gene, results from a C to G substitution at nucleotide position 1981. The leucine at codon 661 is replaced by valine, an amino acid with highly similar properties. This amino acid position is highly conserved in available vertebrate species. In addition, this alteration is predicted to be deleterious by in silico analysis. Based on the available evidence, the clinical significance of this variant remains unclear.

All of Us Research Program, National Institutes of Health
Classification: Uncertain significance for Familial thoracic aortic aneurysm and aortic dissection. Last evaluated: 2024-09-23. Review status: criteria provided, single submitter. Criteria: ACMG Guidelines, 2015. Collection method: clinical testing. Allele origin: germline. Inheritance: Autosomal dominant inheritance. Observed: 11 variant alleles, 11 heterozygotes.
Comment: This missense variant replaces leucine with valine at codon 668 of the MYH11 protein. Computational prediction suggests that this variant may have deleterious impact on protein structure and function (internally defined REVEL score threshold >= 0.7, PMID: 27666373). Splice site prediction tools suggest that this variant may not impact RNA splicing. To our knowledge, functional studies have not been performed for this variant. This variant has not been reported in individuals affected with cardiovascular disorders in the literature. This variant has been identified in 2/251336 chromosomes in the general population by the Genome Aggregation Database (gnomAD). The available evidence is insufficient to determine the role of this variant in disease conclusively. Therefore, this variant is classified as a Variant of Uncertain Significance.

This study involves interpretation of variants in research participants for the purpose of population health screening. Participant phenotype was not available at the time of variant classification. Additional details can be found in publication PMID: 35346344, PMCID: PMC8962531

Color Diagnostics, LLC DBA Color Health
Classification: Uncertain significance for Familial thoracic aortic aneurysm and aortic dissection. Last evaluated: 2024-03-06. Review status: criteria provided, single submitter. Criteria: ACMG Guidelines, 2015. Collection method: clinical testing. Allele origin: germline.
Comment: This missense variant replaces leucine with valine at codon 668 of the MYH11 protein. Computational prediction suggests that this variant may have deleterious impact on protein structure and function (internally defined REVEL score threshold >= 0.7, PMID: 27666373). To our knowledge, functional studies have not been reported for this variant. This variant has not been reported in individuals affected with MYH11-related disorders in the literature. This variant has been identified in 2/251336 chromosomes in the general population by the Genome Aggregation Database (gnomAD). The available evidence is insufficient to determine the role of this variant in disease conclusively. Therefore, this variant is classified as a Variant of Uncertain Significance.

Revvity Omics, Revvity
Classification: Uncertain significance. Last evaluated: 2022-06-08. Review status: criteria provided, single submitter. Criteria: ACMG Guidelines, 2015. Collection method: clinical testing. Allele origin: germline.